The following is an entry in ClinVar:

ClinVar aggregate classification (germline): Uncertain significance (1 of 4 stars; one submission).

Conditions:
Norman-Roberts syndrome (LIS2). Also called: Lissencephaly 2 (Norman-Roberts type). Identifiers: Orphanet 89844, MedGen C0796089, MONDO:0009760, OMIM 257320.
Familial temporal lobe epilepsy 7. Identifiers: Orphanet 101046, MedGen C4225327, MONDO:0014639, OMIM 616436.

Allele frequency attached by ClinVar (database versions not stated): gnomAD exomes 0.00001 and 0.00002; ExAC 0.00006; ESP Exome Variant Server 0.00023.
gnomAD v4.1: 13 of 1,614,148 alleles (0.00081%); highest among the groups gnomAD compares: Non-Finnish European, 0.001%; no homozygotes.

Submission:

Labcorp Genetics (formerly Invitae), Labcorp
Classification: Uncertain significance for Familial temporal lobe epilepsy 7; Norman-Roberts syndrome. Last evaluated: 2022-08-09. Review status: criteria provided, single submitter. Criteria: Invitae Variant Classification Sherloc (09022015). Collection method: clinical testing. Allele origin: germline.
Comment: In summary, the available evidence is currently insufficient to determine the role of this variant in disease. Therefore, it has been classified as a Variant of Uncertain Significance. Algorithms developed to predict the effect of missense changes on protein structure and function are either unavailable or do not agree on the potential impact of this missense change (SIFT: "Deleterious"; PolyPhen-2: "Probably Damaging"; Align-GVGD: "Class C0"). ClinVar contains an entry for this variant (Variation ID: 1392471). This variant has not been reported in the literature in individuals affected with RELN-related conditions. This variant is present in population databases (rs144249461, gnomAD 0.005%). This sequence change replaces threonine, which is neutral and polar, with isoleucine, which is neutral and non-polar, at codon 2668 of the RELN protein (p.Thr2668Ile).

NM_005045.4(RELN):c.8003C>T (p.Thr2668Ile)

Gene: RELN (reelin; minus strand). Cytogenetic location: 7q22.1.
Variant type: single nucleotide variant.
Coding change: c.8003C>T on transcript NM_005045.4 (MANE Select); coding-DNA position 8003, C replaced by T.
Protein change: p.Thr2668Ile; replaces threonine 2668 with isoleucine.
Molecular consequence: missense variant.
Genome position (GRCh38, 1-based): chr7:103,515,301, G>A on the plus strand (C>T on the coding strand, the complement: RELN is on the minus strand). VCF-style: chr7-103515301-G-A. GRCh37 (hg19) VCF-style: chr7-103155748-G-A.
Other names: c.8003C>T, p.Thr2668Ile (NM_173054.3); short protein forms T2668I.
Identifiers: ClinVar variation 1392471 (VCV001392471.6), dbSNP rs144249461, ClinGen allele CA4420591.